The following is an entry in ClinVar:

ClinVar aggregate classification (germline): Likely benign. Review status: criteria provided, multiple submitters, no conflicts (2 of 4 stars). 2 submissions from 2 submitters: Likely benign (2). Last evaluated 2025-11-01.

Allele frequency attached by ClinVar (database versions not stated): ExAC 0.00002; gnomAD 0.00002; gnomAD exomes 0.00002 and 0.00003; TOPMed 0.00002.
gnomAD v4.1: 42 of 1,461,386 alleles (0.0029%); highest among the groups gnomAD compares: Admixed American, 0.0083%; no homozygotes.

Submissions (2):

CeGaT Center for Human Genetics Tuebingen
Classification: Likely benign. Last evaluated: 2025-11-01. Review status: criteria provided, single submitter. Criteria: CeGaT Center For Human Genetics Tuebingen Variant Classification Criteria Version 2. Collection method: clinical testing. Allele origin: germline. Affected: yes. Observed: 1 variant allele.
Comment: CAMK2B: BP4, BP7

Labcorp Genetics (formerly Invitae), Labcorp
Classification: Likely benign. Last evaluated: 2025-04-08. Review status: criteria provided, single submitter. Criteria: Invitae Variant Classification Sherloc (09022015). Collection method: clinical testing. Allele origin: germline.

NM_001220.5(CAMK2B):c.1581C>G (p.Gly527=)

Gene: CAMK2B (calcium/calmodulin dependent protein kinase II beta; minus strand). Cytogenetic location: 7p13.
Variant type: single nucleotide variant.
Coding change: c.1581C>G on transcript NM_001220.5 (MANE Select); coding-DNA position 1581, C replaced by G.
Protein change: p.Gly527=; no amino-acid change (glycine 527 retained).
Molecular consequence: synonymous variant. On other transcripts: intron variant (8).
Genome position (GRCh38, 1-based): chr7:44,226,532, G>C on the plus strand (C>G on the coding strand, the complement: CAMK2B is on the minus strand). VCF-style: chr7-44226532-G-C. GRCh37 (hg19) VCF-style: chr7-44266131-G-C.
Other names: c.947-5631C>G (NM_172084.3); c.1150+4474C>G (NM_172080.3); c.1036+4474C>G (NM_172083.3); c.1108+4474C>G (NM_172081.3); c.1153+4474C>G (NM_172079.3, NM_172082.3); c.1225+4474C>G (NM_001293170.2, NM_172078.3).
Identifiers: ClinVar variation 1605020 (VCV001605020.14), dbSNP rs755629399, ClinGen allele CA4240227.
Genomic context (GRCh38, chr7:44,226,532, plus strand): 5'-CCCTCCGGGCAGCCGCTGCCACGGCCACTCAAGGTGCTACTTACATGGGGTGGGCAGGGG[G>C]CCAGGGATAGTCGGAGATGGGCAGGGCGGGGGCCCCACTGGCGAGGGGCCCTCGGCTTCT-3'
Protein context (NP_001211.3, residues 517-537): PPPCPSPTIP[Gly527=]PLPTPSRKQE